The following is an entry in ClinVar:

ClinVar aggregate classification (germline): Likely benign (1 of 4 stars; one submission).

Allele frequency attached by ClinVar (database versions not stated): gnomAD exomes below 0.00001; TOPMed 0.00002.
gnomAD v4.1: 4 of 1,596,222 alleles (0.00025%); highest among the groups gnomAD compares: Admixed American, 0.0035%; no homozygotes.

Submission:

CeGaT Center for Human Genetics Tuebingen
Classification: Likely benign. Last evaluated: 2023-03-01. Review status: criteria provided, single submitter. Criteria: CeGaT Center For Human Genetics Tuebingen Variant Classification Criteria Version 2. Collection method: clinical testing. Allele origin: germline. Affected: yes. Observed: 1 variant allele.
Comment: ITSN2: BP4, BP7

NM_006277.3(ITSN2):c.3690C>T (p.Leu1230=)

Gene: ITSN2 (intersectin 2; minus strand). Cytogenetic location: 2p23.3.
Variant type: single nucleotide variant.
Coding change: c.3690C>T on transcript NM_006277.3 (MANE Select); coding-DNA position 3690, C replaced by T.
Protein change: p.Leu1230=; no amino-acid change (leucine 1230 retained).
Molecular consequence: synonymous variant.
Genome position (GRCh38, 1-based): chr2:24,220,954, G>A on the plus strand (C>T on the coding strand, the complement: ITSN2 is on the minus strand). VCF-style: chr2-24220954-G-A. GRCh37 (hg19) VCF-style: chr2-24443823-G-A.
Other names: c.3648C>T, p.Leu1216= (NM_001348181.2); c.3570C>T, p.Leu1190= (NM_001348182.2); c.3609C>T, p.Leu1203= (NM_019595.4); c.3690C>T, p.Leu1230= (NM_147152.3).
Identifiers: ClinVar variation 2650714 (VCV002650714.24), dbSNP rs947556724, ClinGen allele CA43599284.
Genomic context (GRCh38, chr2:24,220,954, plus strand): 5'-TCATGAGAGACAGCAGATACCCCGAGAGCTAGCCAGCAGCAGCCTCCTCACCTCGACGAC[G>A]AGCTGAAGGTCAGCCATGTACCGCTCTTCGGTCTGAATCAGCTCATGAATATAGCCCTGT-3'
Protein context (NP_006268.2, residues 1220-1240): TEERYMADLQ[Leu1230=]VVEVFQKRMA